The following is an entry in ClinVar:

ClinVar aggregate classification (germline): Uncertain significance. Review status: criteria provided, multiple submitters, no conflicts (2 of 4 stars). 2 submissions from 2 submitters: Uncertain significance (2). Last evaluated 2022-11-18.

Conditions:
Inborn genetic diseases. Identifiers: MedGen C0950123, MeSH D030342.

Allele frequency attached by ClinVar (database versions not stated): ExAC 0.00001; TOPMed 0.00003; gnomAD exomes 0.00002; gnomAD 0.00001.
gnomAD v4.1: 23 of 1,607,836 alleles (0.0014%); highest among the groups gnomAD compares: Admixed American, 0.0034%; no homozygotes.

Submissions (2):

Ambry Genetics
Classification: Uncertain significance for Inborn genetic diseases. Last evaluated: 2022-11-18. Review status: criteria provided, single submitter. Criteria: Ambry Variant Classification Scheme 2023. Collection method: clinical testing. Allele origin: germline.

Labcorp Genetics (formerly Invitae), Labcorp
Classification: Uncertain significance. Last evaluated: 2022-08-06. Review status: criteria provided, single submitter. Criteria: Invitae Variant Classification Sherloc (09022015). Collection method: clinical testing. Allele origin: germline.
Comment: This sequence change replaces alanine, which is neutral and non-polar, with valine, which is neutral and non-polar, at codon 379 of the CEP78 protein (p.Ala379Val). The frequency data for this variant in the population databases is considered unreliable, as metrics indicate poor data quality at this position in the gnomAD database. This variant has not been reported in the literature in individuals affected with CEP78-related conditions. ClinVar contains an entry for this variant (Variation ID: 1361415). Algorithms developed to predict the effect of missense changes on protein structure and function (SIFT, PolyPhen-2, Align-GVGD) all suggest that this variant is likely to be tolerated. In summary, the available evidence is currently insufficient to determine the role of this variant in disease. Therefore, it has been classified as a Variant of Uncertain Significance.

NM_001330691.3(CEP78):c.1133C>T (p.Ala378Val)

Gene: CEP78 (centrosomal protein 78; plus strand). Cytogenetic location: 9q21.2.
Variant type: single nucleotide variant.
Coding change: c.1133C>T on transcript NM_001330691.3 (MANE Select); coding-DNA position 1133, C replaced by T.
Protein change: p.Ala378Val; replaces alanine 378 with valine.
Molecular consequence: missense variant.
Genome position (GRCh38, 1-based): chr9:78,251,971, C>T. VCF-style: chr9-78251971-C-T. GRCh37 (hg19) VCF-style: chr9-80866887-C-T.
Other names: c.1136C>T, p.Ala379Val (NM_001098802.3, NM_001349839.2, NM_001349840.2 and 1 more transcripts); c.1133C>T, p.Ala378Val (NM_001330693.3, NM_001330694.2, NM_001349838.2); c.1136C>T (NM_001098802.1); short protein forms A379V, A378V.
Identifiers: ClinVar variation 1361415 (VCV001361415.4), dbSNP rs747914305, ClinGen allele CA5095149.
Genomic context (GRCh38, chr9:78,251,971, plus strand): 5'-TGGCTACAAAGAAACCTGTAAGTAGTGGCAGAAAACACTCCCTTGGTAAAGAATATTATG[C>T]GCCCGCACCTCTTCCACCTGGTGTGTCTGGTTTCTTGCCGTGGCGTACTGCAGAACGTGC-3'
Protein context (NP_001317620.1, residues 368-388): RKHSLGKEYY[Ala378Val]PAPLPPGVSG